The following is an entry in ClinVar:

ClinVar aggregate classification (germline): Likely benign. Review status: criteria provided, multiple submitters, no conflicts (2 of 4 stars). 3 submissions from 3 submitters: Likely benign (2). 1 of the submissions does not count toward it. Last evaluated 2026-01-28.

Conditions:
Fraser syndrome 1 (FRASRS1). Also called: CRYPTOPHTHALMOS WITH OTHER MALFORMATIONS. Identifiers: Orphanet 2052, MedGen C4551480, MONDO:0054737, OMIM 219000.
FRAS1-related disorder. Also called: FRAS1-related condition.

Allele frequency attached by ClinVar (database versions not stated): gnomAD exomes 0.00012; ExAC 0.00021; gnomAD 0.00062 and 0.00066; ESP Exome Variant Server 0.00066; TOPMed 0.00078; 1000 Genomes Project 0.00080; 1000 Genomes Project 30x 0.00094.
gnomAD v4.1: 193 of 1,606,672 alleles (0.012%); highest among the groups gnomAD compares: African/African-American, 0.22%; no homozygotes.

Submissions (3):

Labcorp Genetics (formerly Invitae), Labcorp
Classification: Likely benign. Last evaluated: 2026-01-28. Review status: criteria provided, single submitter. Criteria: Invitae Variant Classification Sherloc (09022015). Collection method: clinical testing. Allele origin: germline.

Fulgent Genetics
Classification: Likely benign for Fraser syndrome 1. Last evaluated: 2021-08-27. Review status: criteria provided, single submitter. Criteria: ACMG Guidelines, 2015. Collection method: clinical testing. Allele origin: unknown.

PreventionGenetics, part of Exact Sciences
Classification: Likely benign for FRAS1-related condition. Last evaluated: 2019-09-26. Review status: no assertion criteria provided. Collection method: clinical testing. Allele origin: germline. Not counted in ClinVar's aggregate classification.
Comment: This variant is classified as likely benign based on ACMG/AMP sequence variant interpretation guidelines (Richards et al. 2015 PMID: 25741868, with internal and published modifications).

NM_025074.7(FRAS1):c.9317-4G>A

Gene: FRAS1 (Fraser extracellular matrix complex subunit 1; plus strand). Cytogenetic location: 4q21.21.
Variant type: single nucleotide variant.
Coding change: c.9317-4G>A on transcript NM_025074.7 (MANE Select); 4 bases into the intron before coding-DNA position 9317, G replaced by A.
Molecular consequence: intron variant.
Genome position (GRCh38, 1-based): chr4:78,507,417, G>A. VCF-style: chr4-78507417-G-A. GRCh37 (hg19) VCF-style: chr4-79428571-G-A.
Identifiers: ClinVar variation 703023 (VCV000703023.16), dbSNP rs142971896, ClinGen allele CA2978642.